The following is an entry in ClinVar:

ClinVar aggregate classification (germline): Uncertain significance (1 of 4 stars; one submission).

Allele frequency attached by ClinVar (database versions not stated): ExAC 0.00003; gnomAD exomes 0.00003; ESP Exome Variant Server 0.00008; gnomAD 0.00009; TOPMed 0.00013.
gnomAD v4.1: 57 of 1,613,124 alleles (0.0035%); highest among the groups gnomAD compares: Middle Eastern, 0.033%; no homozygotes.

Submission:

Labcorp Genetics (formerly Invitae), Labcorp
Classification: Uncertain significance. Last evaluated: 2025-08-30. Review status: criteria provided, single submitter. Criteria: Invitae Variant Classification Sherloc (09022015). Collection method: clinical testing. Allele origin: germline.
Comment: This sequence change falls in intron 14 of the TONSL gene. It does not directly change the encoded amino acid sequence of the TONSL protein. It affects a nucleotide within the consensus splice site. This variant is present in population databases (rs375087490, gnomAD 0.02%). This variant has not been reported in the literature in individuals affected with TONSL-related conditions. ClinVar contains an entry for this variant (Variation ID: 2149805). Variants that disrupt the consensus splice site are a relatively common cause of aberrant splicing (PMID: 17576681, 9536098). Algorithms developed to predict the effect of sequence changes on RNA splicing suggest that this variant may disrupt the consensus splice site. In summary, the available evidence is currently insufficient to determine the role of this variant in disease. Therefore, it has been classified as a Variant of Uncertain Significance.

Literature cited by the submitters: PubMed 17576681; PubMed 9536098.

NM_013432.5(TONSL):c.1726+5G>A

Genes: TONSL (tonsoku like, DNA repair protein; minus strand), TONSL-AS1 (TONSL antisense RNA 1; plus strand). Cytogenetic location: 8q24.3.
Variant type: single nucleotide variant.
Coding change: c.1726+5G>A on transcript NM_013432.5 (MANE Select); 5 bases into the intron after coding-DNA position 1726, G replaced by A.
Molecular consequence: intron variant.
Genome position (GRCh38, 1-based): chr8:144,437,022, C>T on the plus strand (G>A on the coding strand, the complement: TONSL is on the minus strand). VCF-style: chr8-144437022-C-T. GRCh37 (hg19) VCF-style: chr8-145662405-C-T.
Identifiers: ClinVar variation 2149805 (VCV002149805.2), dbSNP rs375087490, ClinGen allele CA4943095.
Genomic context (GRCh38, chr8:144,437,022, plus strand): 5'-CAGGACTGACTCTTCGCCCCACGTGTCCACCAAGGTGCGCCAGGCTCCTTCTGTCCCTTG[C>T]TCACCTAGATGCCCGTAGTTGCAGGCCTCGTGCAGAGGTGTCCAGCCACAGTAGTCCCGA-3'